The following is an entry in ClinVar:

NM_001365951.3(KIF1B):c.2643T>A (p.Tyr881Ter)

Gene: KIF1B (kinesin family member 1B; plus strand). Cytogenetic location: 1p36.22.
Variant type: single nucleotide variant.
Coding change: c.2643T>A on transcript NM_001365951.3 (MANE Select); coding-DNA position 2643, T replaced by A.
Protein change: p.Tyr881Ter; replaces tyrosine 881 with a stop codon.
Molecular consequence: nonsense.
Genome position (GRCh38, 1-based): chr1:10,324,863, T>A. VCF-style: chr1-10324863-T-A. GRCh37 (hg19) VCF-style: chr1-10384921-T-A.
Other names: c.2643T>A, p.Tyr881Ter (NM_001365952.1); c.2505T>A, p.Tyr835Ter (NM_015074.3); short protein forms Y835*, Y881*.
Identifiers: ClinVar variation 1792307 (VCV001792307.2), dbSNP rs1194854818, ClinGen allele CA338335781.

ClinVar aggregate classification (germline): Uncertain significance (1 of 4 stars; one submission).

Allele frequency attached by ClinVar (database versions not stated): TOPMed below 0.00001; gnomAD 0.00001.
gnomAD v4.1: 1 of 1,614,090 alleles (0.000062%); highest among the groups gnomAD compares: Non-Finnish European, 0.000085%; no homozygotes.

Submission:

Ambry Genetics
Classification: Uncertain significance. Last evaluated: 2022-05-09. Review status: criteria provided, single submitter. Criteria: Ambry Variant Classification Scheme 2023. Collection method: clinical testing. Allele origin: germline.
Comment: The p.Y835* variant (also known as c.2505T>A), located in coding exon 23 of the KIF1B gene, results from a T to A substitution at nucleotide position 2505. This changes the amino acid from a tyrosine to a stop codon within coding exon 23. This alteration is expected to result in premature protein truncation or nonsense-mediated mRNA decay. However, loss of function of KIF1B has not been clearly established as a mechanism of disease. Since supporting evidence is limited at this time, the clinical significance of this alteration remains unclear.